The following is an entry in ClinVar:

NM_001111067.4(ACVR1):c.1298A>G (p.Asp433Gly)

Gene: ACVR1 (activin A receptor type 1; minus strand). Cytogenetic location: 2q24.1.
Variant type: single nucleotide variant.
Coding change: c.1298A>G on transcript NM_001111067.4 (MANE Select); coding-DNA position 1298, A replaced by G.
Protein change: p.Asp433Gly; replaces aspartic acid 433 with glycine.
Molecular consequence: missense variant.
Genome position (GRCh38, 1-based): chr2:157,738,537, T>C on the plus strand (A>G on the coding strand, the complement: ACVR1 is on the minus strand). VCF-style: chr2-157738537-T-C. GRCh37 (hg19) VCF-style: chr2-158595049-T-C.
Other names: c.1298A>G, p.Asp433Gly (NM_001105.5, NM_001347663.1, NM_001347664.1 and 3 more transcripts); short protein forms D433G.
Identifiers: ClinVar variation 3614959 (VCV003614959.2).
Genomic context (GRCh38, chr2:157,738,537, plus strand): 5'-TGTTGATCCACACAGACTACCTTCCTCATATCTTCAAAACTTGGGTCATTGGGAACCACA[T>C]CGTAGAACGGTGGCTTGTAATCCTCCACTATACCTGCACACAAGGACAAGAATTGTGTTC-3'
Protein context (NP_001104537.1, residues 423-443): IVEDYKPPFY[Asp433Gly]VVPNDPSFED

ClinVar aggregate classification (germline): Uncertain significance (1 of 4 stars; one submission).

gnomAD v4.1: 15 of 1,614,016 alleles (0.00093%); highest among the groups gnomAD compares: Admixed American, 0.0017%; no homozygotes.

Submission:

Labcorp Genetics (formerly Invitae), Labcorp
Classification: Uncertain significance. Last evaluated: 2024-03-26. Review status: criteria provided, single submitter. Criteria: Invitae Variant Classification Sherloc (09022015). Collection method: clinical testing. Allele origin: germline.
Comment: This sequence change replaces aspartic acid, which is acidic and polar, with glycine, which is neutral and non-polar, at codon 433 of the ACVR1 protein (p.Asp433Gly). This variant is present in population databases (no rsID available, gnomAD 0.003%). This variant has not been reported in the literature in individuals affected with ACVR1-related conditions. An algorithm developed to predict the effect of missense changes on protein structure and function (PolyPhen-2) suggests that this variant is likely to be disruptive. In summary, the available evidence is currently insufficient to determine the role of this variant in disease. Therefore, it has been classified as a Variant of Uncertain Significance.